The following is an entry in ClinVar:

NM_001082486.2(ACD):c.1271C>G (p.Ser424Cys)

Gene: ACD (ACD shelterin complex subunit and telomerase recruitment factor; minus strand). Cytogenetic location: 16q22.1.
Variant type: single nucleotide variant.
Coding change: c.1271C>G on transcript NM_001082486.2 (MANE Select); coding-DNA position 1271, C replaced by G.
Protein change: p.Ser424Cys; replaces serine 424 with cysteine.
Molecular consequence: missense variant.
Genome position (GRCh38, 1-based): chr16:67,657,789, G>C on the plus strand (C>G on the coding strand, the complement: ACD is on the minus strand). VCF-style: chr16-67657789-G-C. GRCh37 (hg19) VCF-style: chr16-67691692-G-C.
Other names: c.1184C>G, p.Ser395Cys (NM_001410884.1); c.1262C>G, p.Ser421Cys (NM_022914.3); short protein forms S421C, S424C, S395C.
Identifiers: ClinVar variation 4744712 (VCV004744712.1).

ClinVar aggregate classification (germline): Uncertain significance (1 of 4 stars; one submission).

Conditions:
Dyskeratosis congenita, autosomal dominant 6 (DKCA6). Identifiers: Orphanet 3322, MedGen C4225284, MONDO:0014690, OMIM 616553.

Submission:

Labcorp Genetics (formerly Invitae), Labcorp
Classification: Uncertain significance for Dyskeratosis congenita, autosomal dominant 6. Last evaluated: 2025-04-16. Review status: criteria provided, single submitter. Criteria: Invitae Variant Classification Sherloc (09022015). Collection method: clinical testing. Allele origin: germline.
Comment: This sequence change replaces serine, which is neutral and polar, with cysteine, which is neutral and slightly polar, at codon 510 of the ACD protein (p.Ser510Cys). This variant is not present in population databases (gnomAD no frequency). This variant has not been reported in the literature in individuals affected with ACD-related conditions. Invitae Evidence Modeling of protein sequence and biophysical properties (such as structural, functional, and spatial information, amino acid conservation, physicochemical variation, residue mobility, and thermodynamic stability) indicates that this missense variant is expected to disrupt ACD protein function with a positive predictive value of 80%. In summary, the available evidence is currently insufficient to determine the role of this variant in disease. Therefore, it has been classified as a Variant of Uncertain Significance.